The following is an entry in ClinVar:

NM_017780.4(CHD7):c.3695_3710dup (p.Asn1237delinsLysArgTrpSerSerTer)

Gene: CHD7 (chromodomain helicase DNA binding protein 7; plus strand). Cytogenetic location: 8q12.2.
Variant type: Duplication.
Coding change: c.3695_3710dup on transcript NM_017780.4 (MANE Select); coding-DNA positions 3695 to 3710, 16 bases duplicated (GCGGTGGTCAAGCTAA).
Protein change: p.Asn1237delinsLysArgTrpSerSerTer.
Molecular consequence: nonsense. On other transcripts: intron variant (1).
Genome position (GRCh38, 1-based): chr8:60,830,494-60,830,509, GCGGTGGTCAAGCTAA duplicated. VCF-style (leftmost placement, unchanged base first): chr8-60830493-G-GGCGGTGGTCAAGCTAA. GRCh37 (hg19) VCF-style: chr8-61743052-G-GGCGGTGGTCAAGCTAA.
Other names: c.1717-31735_1717-31720dup (NM_001316690.1).
Identifiers: ClinVar variation 1069945 (VCV001069945.7), dbSNP rs2150764898, ClinGen allele CA2499219367.

ClinVar aggregate classification (germline): Pathogenic (1 of 4 stars; one submission).

Conditions:
CHARGE syndrome (CHARGE). Also called: Hittner Hirsch Kreh syndrome; CHARGE ASSOCIATION--COLOBOMA, HEART ANOMALY, CHOANAL ATRESIA, RETARDATION, GENITAL AND EAR ANOMALIES; Coloboma, heart anomaly, choanal atresia, retardation, genital and ear anomalies; CHARGE association; Hall-Hittner syndrome. Identifiers: Orphanet 138, MedGen C0265354, MONDO:0008965.

Submission:

Labcorp Genetics (formerly Invitae), Labcorp
Classification: Pathogenic for CHARGE syndrome. Last evaluated: 2020-05-21. Review status: criteria provided, single submitter. Criteria: Invitae Variant Classification Sherloc (09022015). Collection method: clinical testing. Allele origin: germline.
Comment: For these reasons, this variant has been classified as Pathogenic. Loss-of-function variants in CHD7 are known to be pathogenic (PMID: 22461308, 25077900). This variant has not been reported in the literature in individuals with CHD7-related conditions. This variant is not present in population databases (ExAC no frequency). This sequence change creates a premature translational stop signal (p.Asn1237Lysfs*6) in the CHD7 gene. It is expected to result in an absent or disrupted protein product.

Literature cited by the submitters: PubMed 22461308; PubMed 25077900.